The following is an entry in ClinVar:

ClinVar aggregate classification (germline): Uncertain significance (1 of 4 stars; one submission).

Conditions:
Hajdu-Cheney syndrome (HJCYS). Also called: Acroosteolysis dominant type; ACROOSTEOLYSIS WITH OSTEOPOROSIS AND CHANGES IN SKULL AND MANDIBLE; SERPENTINE FIBULA-POLYCYSTIC KIDNEY SYNDROME. Identifiers: Orphanet 955, MedGen C0917715, MONDO:0007057, OMIM 102500.

Allele frequency attached by ClinVar (database versions not stated): TOPMed 0.00001.

Submission:

Labcorp Genetics (formerly Invitae), Labcorp
Classification: Uncertain significance for Hajdu-Cheney syndrome. Last evaluated: 2023-06-20. Review status: criteria provided, single submitter. Criteria: Invitae Variant Classification Sherloc (09022015). Collection method: clinical testing. Allele origin: germline.
Comment: This variant has not been reported in the literature in individuals affected with NOTCH2-related conditions. In summary, the available evidence is currently insufficient to determine the role of this variant in disease. Therefore, it has been classified as a Variant of Uncertain Significance. Variants that disrupt the consensus splice site are a relatively common cause of aberrant splicing (PMID: 17576681, 9536098). Algorithms developed to predict the effect of sequence changes on RNA splicing suggest that this variant may disrupt the consensus splice site. An algorithm developed to predict the effect of missense changes on protein structure and function (PolyPhen-2) suggests that this variant is likely to be disruptive. This variant is not present in population databases (gnomAD no frequency). This sequence change replaces glycine, which is neutral and non-polar, with arginine, which is basic and polar, at codon 676 of the NOTCH2 protein (p.Gly676Arg). This variant also falls at the last nucleotide of exon 12, which is part of the consensus splice site for this exon.

Literature cited by the submitters: PubMed 17576681; PubMed 9536098.

NM_024408.4(NOTCH2):c.2026G>C (p.Gly676Arg)

Gene: NOTCH2 (notch receptor 2; minus strand). Cytogenetic location: 1p12.
Variant type: single nucleotide variant.
Coding change: c.2026G>C on transcript NM_024408.4 (MANE Select); coding-DNA position 2026, G replaced by C.
Protein change: p.Gly676Arg; replaces glycine 676 with arginine.
Molecular consequence: missense variant.
Genome position (GRCh38, 1-based): chr1:119,959,392, C>G on the plus strand (G>C on the coding strand, the complement: NOTCH2 is on the minus strand). VCF-style: chr1-119959392-C-G. GRCh37 (hg19) VCF-style: chr1-120502015-C-G.
Other names: c.2026G>C, p.Gly676Arg (NM_001200001.2); short protein forms G676R.
Identifiers: ClinVar variation 2719836 (VCV002719836.3), dbSNP rs1650851946, ClinGen allele CA341868942.